The following is an entry in ClinVar:

NM_001270508.2(TNFAIP3):c.1313C>T (p.Ser438Phe)

Gene: TNFAIP3 (TNF alpha induced protein 3; plus strand). Cytogenetic location: 6q23.3.
Variant type: single nucleotide variant.
Coding change: c.1313C>T on transcript NM_001270508.2 (MANE Select); coding-DNA position 1313, C replaced by T.
Protein change: p.Ser438Phe; replaces serine 438 with phenylalanine.
Molecular consequence: missense variant.
Genome position (GRCh38, 1-based): chr6:137,878,758, C>T. VCF-style: chr6-137878758-C-T. GRCh37 (hg19) VCF-style: chr6-138199895-C-T.
Other names: c.1313C>T, p.Ser438Phe (NM_001270507.2, NM_006290.4); short protein forms S438F.
Identifiers: ClinVar variation 2906904 (VCV002906904.3), dbSNP rs1776335627, ClinGen allele CA365789663.
Genomic context (GRCh38, chr6:137,878,758, plus strand): 5'-TCCCAAAGCTGAACTCCAAGCCGGGCCCTGAGGGGCTCCCTGGCATGGCGCTCGGGGCCT[C>T]TCGGGGAGAAGCCTATGAGCCCTTGGCGTGGAACCCTGAGGAGTCCACTGGGGGGCCTCA-3'
Protein context (NP_001257437.1, residues 428-448): EGLPGMALGA[Ser438Phe]RGEAYEPLAW

ClinVar aggregate classification (germline): Uncertain significance (1 of 4 stars; one submission).

Allele frequency attached by ClinVar (database versions not stated): TOPMed below 0.00001.

Submission:

Labcorp Genetics (formerly Invitae), Labcorp
Classification: Uncertain significance. Last evaluated: 2023-12-26. Review status: criteria provided, single submitter. Criteria: Invitae Variant Classification Sherloc (09022015). Collection method: clinical testing. Allele origin: germline.
Comment: This sequence change replaces serine, which is neutral and polar, with phenylalanine, which is neutral and non-polar, at codon 438 of the TNFAIP3 protein (p.Ser438Phe). This variant is not present in population databases (gnomAD no frequency). This variant has not been reported in the literature in individuals affected with TNFAIP3-related conditions. Advanced modeling of protein sequence and biophysical properties (such as structural, functional, and spatial information, amino acid conservation, physicochemical variation, residue mobility, and thermodynamic stability) performed at Invitae indicates that this missense variant is not expected to disrupt TNFAIP3 protein function with a negative predictive value of 80%. In summary, the available evidence is currently insufficient to determine the role of this variant in disease. Therefore, it has been classified as a Variant of Uncertain Significance.